The following is an entry in ClinVar:

ClinVar aggregate classification (germline): Uncertain significance (1 of 4 stars; one submission).

Conditions:
Facioscapulohumeral muscular dystrophy 2 (FSHD2). Also called: MUSCULAR DYSTROPHY, FACIOSCAPULOHUMERAL, TYPE 1B; FACIOSCAPULOHUMERAL MUSCULAR DYSTROPHY 2, DIGENIC; FSHD2, DIGENIC. Identifiers: Orphanet 269, MedGen C1834671, MONDO:0008031, OMIM 158901.

Submission:

Labcorp Genetics (formerly Invitae), Labcorp
Classification: Uncertain significance for Facioscapulohumeral muscular dystrophy 2. Last evaluated: 2022-07-19. Review status: criteria provided, single submitter. Criteria: Invitae Variant Classification Sherloc (09022015). Collection method: clinical testing. Allele origin: germline.
Comment: ClinVar contains an entry for this variant (Variation ID: 464162). In summary, the available evidence is currently insufficient to determine the role of this variant in disease. Therefore, it has been classified as a Variant of Uncertain Significance. Algorithms developed to predict the effect of missense changes on protein structure and function (SIFT, PolyPhen-2, Align-GVGD) all suggest that this variant is likely to be disruptive. This variant has not been reported in the literature in individuals affected with SMCHD1-related conditions. This variant is not present in population databases (gnomAD no frequency). This sequence change replaces threonine, which is neutral and polar, with methionine, which is neutral and non-polar, at codon 401 of the SMCHD1 protein (p.Thr401Met).

NM_015295.3(SMCHD1):c.1202C>T (p.Thr401Met)

Gene: SMCHD1 (structural maintenance of chromosomes flexible hinge domain containing 1; plus strand). Cytogenetic location: 18p11.32.
Variant type: single nucleotide variant.
Coding change: c.1202C>T on transcript NM_015295.3 (MANE Select); coding-DNA position 1202, C replaced by T.
Protein change: p.Thr401Met; replaces threonine 401 with methionine.
Molecular consequence: missense variant.
Genome position (GRCh38, 1-based): chr18:2,697,901, C>T. VCF-style: chr18-2697901-C-T. GRCh37 (hg19) VCF-style: chr18-2697899-C-T.
Other names: short protein forms T401M.
Identifiers: ClinVar variation 464162 (VCV000464162.10), dbSNP rs1555632935, ClinGen allele CA401697270.
Genomic context (GRCh38, chr18:2,697,901, plus strand): 5'-TTGAAAAAGGGAAGGTACCTAAGATTGTCAACCTAAGGGAAATACAAGACGACATGCAGA[C>T]GTTGTATGTAAACACAGCAGCTGATAGTTTTGAATTCAAAGCTCATGTTGAAGGAGATGG-3'
Protein context (NP_056110.2, residues 391-411): NLREIQDDMQ[Thr401Met]LYVNTAADSF